The following is an entry in ClinVar:

NM_004963.4(GUCY2C):c.1094G>C (p.Gly365Ala)

Genes: GUCY2C (guanylate cyclase 2C; minus strand), GUCY2C-AS1 (GUCY2C antisense RNA 1; plus strand). Cytogenetic location: 12p12.3.
Variant type: single nucleotide variant.
Coding change: c.1094G>C on transcript NM_004963.4 (MANE Select); coding-DNA position 1094, G replaced by C.
Protein change: p.Gly365Ala; replaces glycine 365 with alanine.
Molecular consequence: missense variant.
Genome position (GRCh38, 1-based): chr12:14,672,949, C>G on the plus strand (G>C on the coding strand, the complement: GUCY2C is on the minus strand). VCF-style: chr12-14672949-C-G. GRCh37 (hg19) VCF-style: chr12-14825883-C-G.
Other names: c.1094G>C (NM_004963.3); short protein forms G365A.
Identifiers: ClinVar variation 1436156 (VCV001436156.7), dbSNP rs201135486, ClinGen allele CA6463540.

ClinVar aggregate classification (germline): Uncertain significance. Review status: criteria provided, multiple submitters, no conflicts (2 of 4 stars). 2 submissions from 2 submitters: Uncertain significance (2). Last evaluated 2025-06-27.

Conditions:
Inborn genetic diseases. Identifiers: MedGen C0950123, MeSH D030342.

Allele frequency attached by ClinVar (database versions not stated): gnomAD 0.00006 and 0.00007; gnomAD exomes 0.00009 and 0.00011; ExAC 0.00010; TOPMed 0.00010.
gnomAD v4.1: 157 of 1,592,586 alleles (0.0099%); highest among the groups gnomAD compares: Middle Eastern, 0.033%; no homozygotes.

Submissions (2):

Labcorp Genetics (formerly Invitae), Labcorp
Classification: Uncertain significance. Last evaluated: 2025-06-27. Review status: criteria provided, single submitter. Criteria: Invitae Variant Classification Sherloc (09022015). Collection method: clinical testing. Allele origin: germline.
Comment: This sequence change replaces glycine, which is neutral and non-polar, with alanine, which is neutral and non-polar, at codon 365 of the GUCY2C protein (p.Gly365Ala). This variant is present in population databases (rs201135486, gnomAD 0.02%). This variant has not been reported in the literature in individuals affected with GUCY2C-related conditions. ClinVar contains an entry for this variant (Variation ID: 1436156). Invitae Evidence Modeling of protein sequence and biophysical properties (such as structural, functional, and spatial information, amino acid conservation, physicochemical variation, residue mobility, and thermodynamic stability) indicates that this missense variant is expected to disrupt GUCY2C protein function with a positive predictive value of 80%. In summary, the available evidence is currently insufficient to determine the role of this variant in disease. Therefore, it has been classified as a Variant of Uncertain Significance.

Ambry Genetics
Classification: Uncertain significance for Inborn genetic diseases. Last evaluated: 2024-12-24. Review status: criteria provided, single submitter. Criteria: Ambry Variant Classification Scheme 2023. Collection method: clinical testing. Allele origin: germline.